The following is an entry in ClinVar:

NM_138576.4(BCL11B):c.1051C>G (p.Leu351Val)

Gene: BCL11B (BCL11 transcription factor B; minus strand). Cytogenetic location: 14q32.2.
Variant type: single nucleotide variant.
Coding change: c.1051C>G on transcript NM_138576.4 (MANE Select); coding-DNA position 1051, C replaced by G.
Protein change: p.Leu351Val; replaces leucine 351 with valine.
Molecular consequence: missense variant.
Genome position (GRCh38, 1-based): chr14:99,175,785, G>C on the plus strand (C>G on the coding strand, the complement: BCL11B is on the minus strand). VCF-style: chr14-99175785-G-C. GRCh37 (hg19) VCF-style: chr14-99642122-G-C.
Other names: c.1048C>G, p.Leu350Val (NM_001282237.2); c.835C>G, p.Leu279Val (NM_001282238.2); c.838C>G, p.Leu280Val (NM_022898.3); short protein forms L279V, L280V, L350V, L351V.
Identifiers: ClinVar variation 4797694 (VCV004797694.1).

ClinVar aggregate classification (germline): Uncertain significance (1 of 4 stars; one submission).

gnomAD v4.1: 4 of 1,472,514 alleles (0.00027%); highest among the groups gnomAD compares: Non-Finnish European, 0.00036%; no homozygotes.

Submission:

Labcorp Genetics (formerly Invitae), Labcorp
Classification: Uncertain significance. Last evaluated: 2025-11-06. Review status: criteria provided, single submitter. Criteria: Invitae Variant Classification Sherloc (09022015). Collection method: clinical testing. Allele origin: germline.
Comment: This sequence change replaces leucine, which is neutral and non-polar, with valine, which is neutral and non-polar, at codon 351 of the BCL11B protein (p.Leu351Val). This variant is not present in population databases (gnomAD no frequency). This variant has not been reported in the literature in individuals affected with BCL11B-related conditions. Invitae Evidence Modeling of protein sequence and biophysical properties (such as structural, functional, and spatial information, amino acid conservation, physicochemical variation, residue mobility, and thermodynamic stability) has been performed for this missense variant. However, the output from this modeling did not meet the statistical confidence thresholds required to predict the impact of this variant on BCL11B protein function. In summary, the available evidence is currently insufficient to determine the role of this variant in disease. Therefore, it has been classified as a Variant of Uncertain Significance.